The following is an entry in ClinVar:

NM_001020658.2(PUM1):c.-12+5G>A

Gene: PUM1 (pumilio RNA binding family member 1; minus strand). Cytogenetic location: 1p35.2.
Variant type: single nucleotide variant.
Coding change: c.-12+5G>A on transcript NM_001020658.2 (MANE Select); 5 bases into the intron after 12 bases upstream of the start codon, G replaced by A.
Molecular consequence: intron variant.
Genome position (GRCh38, 1-based): chr1:31,065,611, C>T on the plus strand (G>A on the coding strand, the complement: PUM1 is on the minus strand). VCF-style: chr1-31065611-C-T. GRCh37 (hg19) VCF-style: chr1-31538458-C-T.
Other names: c.-12+5G>A (NM_014676.3).
Identifiers: ClinVar variation 5016932 (VCV005016932.1).

ClinVar aggregate classification (germline): Uncertain significance (1 of 4 stars; one submission).

Submission:

GeneDx
Classification: Uncertain significance. Last evaluated: 2026-03-19. Review status: criteria provided, single submitter. Criteria: GeneDx Variant Classification Process June 2021. Collection method: clinical testing. Allele origin: germline.
Comment: In silico analysis supports a deleterious effect on splicing; No data available from control populations to assess the frequency of this variant; Has not been previously published as pathogenic or benign to our knowledge